The following is an entry in ClinVar:

NM_052845.4(MMAB):c.99G>A (p.Gln33=)

Genes: MMAB (metabolism of cobalamin associated B; minus strand), MVK (mevalonate kinase; plus strand). Cytogenetic location: 12q24.11.
Variant type: single nucleotide variant.
Coding change: c.99G>A on transcript NM_052845.4 (MANE Select); coding-DNA position 99, G replaced by A.
Protein change: p.Gln33=; no amino-acid change (glutamine 33 retained).
Molecular consequence: synonymous variant. On other transcripts: non-coding transcript variant (1).
Genome position (GRCh38, 1-based): chr12:109,573,382, C>T on the plus strand (G>A on the coding strand, the complement: MMAB is on the minus strand). VCF-style: chr12-109573382-C-T. GRCh37 (hg19) VCF-style: chr12-110011187-C-T.
Identifiers: ClinVar variation 763309 (VCV000763309.13), dbSNP rs749127574, ClinGen allele CA6779063.

ClinVar aggregate classification (germline): Conflicting classifications of pathogenicity. Review status: criteria provided, conflicting classifications (1 of 4 stars). 4 submissions from 4 submitters: Uncertain significance (1); Likely benign (1). 2 of the submissions do not count toward it. Last evaluated 2024-02-23.

Conditions:
MMAB-related disorder. Also called: MMAB-related condition.
Methylmalonic aciduria, cblB type (MACB). Also called: METHYLMALONIC ACIDURIA, VITAMIN B12-RESPONSIVE, DUE TO DEFECT IN SYNTHESIS OF ADENOSYLCOBALAMIN, cblB TYPE; Methylmalonic acidemia cblB type; Vitamin B12-responsive methylmalonic acidemia type cblB. Identifiers: Orphanet 28, Orphanet 79311, MedGen C1855102, MONDO:0009614, OMIM 251110.

Allele frequency attached by ClinVar (database versions not stated): gnomAD exomes 0.00001 and below 0.00001; gnomAD 0.00001; ExAC 0.00002; TOPMed 0.00001.
gnomAD v4.1: 3 of 1,612,724 alleles (0.00019%); highest among the groups gnomAD compares: Admixed American, 0.005%; no homozygotes.

Submissions (4):

Labcorp Genetics (formerly Invitae), Labcorp
Classification: Likely benign for Methylmalonic aciduria, cblB type. Last evaluated: 2024-02-23. Review status: criteria provided, single submitter. Criteria: Invitae Variant Classification Sherloc (09022015). Collection method: clinical testing. Allele origin: germline.

GeneDx
Classification: Uncertain significance. Last evaluated: 2023-03-29. Review status: criteria provided, single submitter. Criteria: GeneDx Variant Classification Process June 2021. Collection method: clinical testing. Allele origin: germline. Affected: yes.
Comment: Not observed at significant frequency in large population cohorts (gnomAD); In silico analysis supports that this variant does not alter splicing; Has not been previously published as pathogenic or benign to our knowledge

Natera, Inc.
Classification: Uncertain significance for Methylmalonic aciduria cblB type. Last evaluated: 2020-03-11. Review status: no assertion criteria provided. Collection method: clinical testing. Allele origin: germline. Not counted in ClinVar's aggregate classification.

PreventionGenetics, part of Exact Sciences
Classification: Likely benign for MMAB-related condition. Last evaluated: 2019-06-13. Review status: no assertion criteria provided. Collection method: clinical testing. Allele origin: germline. Not counted in ClinVar's aggregate classification.
Comment: This variant is classified as likely benign based on ACMG/AMP sequence variant interpretation guidelines (Richards et al. 2015 PMID: 25741868, with internal and published modifications).